The following is an entry in ClinVar:

ClinVar aggregate classification (germline): Uncertain significance (1 of 4 stars; one submission).

Submission:

GeneDx
Classification: Uncertain significance. Last evaluated: 2025-08-06. Review status: criteria provided, single submitter. Criteria: GeneDx Variant Classification Process June 2021. Collection method: clinical testing. Allele origin: germline.
Comment: Not observed at significant frequency in large population cohorts (gnomAD); In silico analysis supports that this missense variant has a deleterious effect on protein structure/function; Has not been previously published as pathogenic or benign to our knowledge

NM_004519.4(KCNQ3):c.361T>G (p.Trp121Gly)

Gene: KCNQ3 (potassium voltage-gated channel subfamily Q member 3; minus strand). Cytogenetic location: 8q24.22.
Variant type: single nucleotide variant.
Coding change: c.361T>G on transcript NM_004519.4 (MANE Select); coding-DNA position 361, T replaced by G.
Protein change: p.Trp121Gly; replaces tryptophan 121 with glycine.
Molecular consequence: missense variant.
Genome position (GRCh38, 1-based): chr8:132,480,172, A>C on the plus strand (T>G on the coding strand, the complement: KCNQ3 is on the minus strand). VCF-style: chr8-132480172-A-C. GRCh37 (hg19) VCF-style: chr8-133492419-A-C.
Other names: short protein forms W121G.
Identifiers: ClinVar variation 2663259 (VCV002663259.2), dbSNP rs2537398052, ClinGen allele CA372292367.